The following is an entry in ClinVar:

ClinVar aggregate classification (germline): Uncertain significance (1 of 4 stars; one submission).

Conditions:
NDUFA10-related disorder. Also called: NDUFA10-related condition.

Submission:

PreventionGenetics, part of Exact Sciences
Classification: Uncertain significance for NDUFA10-related condition. Last evaluated: 2025-09-16. Review status: criteria provided, single submitter. Criteria: ACMG Guidelines, 2015. Collection method: clinical testing. Allele origin: germline.
Comment: The NDUFA10 c.1090_1110dup21 variant is predicted to result in an in-frame duplication (p.Ser364_Arg370dup). To our knowledge, this variant has not been reported in the literature. This variant is reported in 0.098% of alleles in individuals of South Asian descent in gnomAD. At this time, the clinical significance of this variant is uncertain due to the absence of conclusive functional and genetic evidence.

NM_004544.4(NDUFA10):c.1000-12427TCCCTCCTTGAAGCTGATCGT[4]

Gene: NDUFA10 (NADH:ubiquinone oxidoreductase subunit A10; minus strand). Cytogenetic location: 2q37.3.
Variant type: Microsatellite.
Coding change: c.1000-12427TCCCTCCTTGAAGCTGATCGT[4] on transcript NM_004544.4 (MANE Select); four copies in a row of the 21-base unit TCCCTCCTTGAAGCTGATCGT starting at c.1000-12427; the reference has three copies in a row; one copy, 21 bases duplicated.
Molecular consequence: intron variant. On other transcripts: inframe insertion (1).
Genome position (GRCh38, 1-based): chr2:239,973,551-239,973,571, ACGATCAGCTTCAAGGAGGGA duplicated on the plus strand (TCCCTCCTTGAAGCTGATCGT on the coding strand, the reverse complement: NDUFA10 is on the minus strand); duplicating any 21 consecutive bases within chr2:239,973,551-239,973,613 gives the same sequence; the position shown is the placement nearest the transcript's 3' end. VCF-style (leftmost placement, unchanged base first): chr2-239973550-C-CACGATCAGCTTCAAGGAGGGA. GRCh37 (hg19) VCF-style: chr2-240912967-C-CACGATCAGCTTCAAGGAGGGA.
Other names: c.1048TCCCTCCTTGAAGCTGATCGT[4], p.Arg370_Val371insSerLeuLeuGluAlaAspArg (NM_001322019.2); c.891-12427TCCCTCCTTGAAGCTGATCGT[4] (NM_001322020.2); c.1000-3851TCCCTCCTTGAAGCTGATCGT[4] (NM_001410987.1).
Identifiers: ClinVar variation 4981575 (VCV004981575.1).